The following is an entry in ClinVar:

NM_033026.6(PCLO):c.13123A>C (p.Arg4375=)

Gene: PCLO (piccolo presynaptic cytomatrix protein; minus strand). Cytogenetic location: 7q21.11.
Variant type: single nucleotide variant.
Coding change: c.13123A>C on transcript NM_033026.6 (MANE Select); coding-DNA position 13123, A replaced by C.
Protein change: p.Arg4375=; no amino-acid change (arginine 4375 retained).
Molecular consequence: synonymous variant.
Genome position (GRCh38, 1-based): chr7:82,914,863, T>G on the plus strand (A>C on the coding strand, the complement: PCLO is on the minus strand). VCF-style: chr7-82914863-T-G. GRCh37 (hg19) VCF-style: chr7-82544179-T-G.
Other names: c.13123A>C, p.Arg4375= (NM_014510.3).
Identifiers: ClinVar variation 1659176 (VCV001659176.35), dbSNP rs768837727, ClinGen allele CA4319260.

ClinVar aggregate classification (germline): Likely benign. Review status: criteria provided, multiple submitters, no conflicts (2 of 4 stars). 2 submissions from 2 submitters: Likely benign (2). Last evaluated 2025-05-01.

Allele frequency attached by ClinVar (database versions not stated): gnomAD 0.00001; ExAC 0.00002; gnomAD exomes 0.00002; TOPMed 0.00002.
gnomAD v4.1: 40 of 1,613,624 alleles (0.0025%); highest among the groups gnomAD compares: Admixed American, 0.0067%; no homozygotes.

Submissions (2):

Labcorp Genetics (formerly Invitae), Labcorp
Classification: Likely benign. Last evaluated: 2025-05-01. Review status: criteria provided, single submitter. Criteria: Invitae Variant Classification Sherloc (09022015). Collection method: clinical testing. Allele origin: germline.

CeGaT Center for Human Genetics Tuebingen
Classification: Likely benign. Last evaluated: 2023-05-01. Review status: criteria provided, single submitter. Criteria: CeGaT Center For Human Genetics Tuebingen Variant Classification Criteria Version 2. Collection method: clinical testing. Allele origin: germline. Affected: yes. Observed: 1 variant allele.
Comment: PCLO: BP4